The following is an entry in ClinVar:

NM_033026.6(PCLO):c.12988C>T (p.His4330Tyr)

Gene: PCLO (piccolo presynaptic cytomatrix protein; minus strand). Cytogenetic location: 7q21.11.
Variant type: single nucleotide variant.
Coding change: c.12988C>T on transcript NM_033026.6 (MANE Select); coding-DNA position 12988, C replaced by T.
Protein change: p.His4330Tyr; replaces histidine 4330 with tyrosine.
Molecular consequence: missense variant.
Genome position (GRCh38, 1-based): chr7:82,914,998, G>A on the plus strand (C>T on the coding strand, the complement: PCLO is on the minus strand). VCF-style: chr7-82914998-G-A. GRCh37 (hg19) VCF-style: chr7-82544314-G-A.
Other names: c.12988C>T, p.His4330Tyr (NM_014510.3); short protein forms H4330Y.
Identifiers: ClinVar variation 1352957 (VCV001352957.5), dbSNP rs953489035, ClinGen allele CA161120835.
Genomic context (GRCh38, chr7:82,914,998, plus strand): 5'-TTCCTCTACTTTGACTAATTGGCAAACTGGTCGGCTTAGTTCTGGCAGAGGATGATGCAT[G>A]ACTAAAGGAAACATCTAGAGCTTCAGCCTCTTGAGCTTTCAGTCTTAGGGAAGAGCTAGA-3'
Protein context (NP_149015.2, residues 4320-4340): EAEALDVSFS[His4330Tyr]ASSSARTKPT

ClinVar aggregate classification (germline): Uncertain significance (1 of 4 stars; one submission).

Allele frequency attached by ClinVar (database versions not stated): gnomAD 0.00001; TOPMed 0.00001.
gnomAD v4.1: 4 of 1,613,544 alleles (0.00025%); highest among the groups gnomAD compares: African/African-American, 0.0013%; no homozygotes.

Submission:

Labcorp Genetics (formerly Invitae), Labcorp
Classification: Uncertain significance. Last evaluated: 2022-10-14. Review status: criteria provided, single submitter. Criteria: Invitae Variant Classification Sherloc (09022015). Collection method: clinical testing. Allele origin: germline.
Comment: This sequence change replaces histidine, which is basic and polar, with tyrosine, which is neutral and polar, at codon 4330 of the PCLO protein (p.His4330Tyr). This variant is present in population databases (no rsID available, gnomAD 0.007%). This variant has not been reported in the literature in individuals affected with PCLO-related conditions. ClinVar contains an entry for this variant (Variation ID: 1352957). Algorithms developed to predict the effect of missense changes on protein structure and function are either unavailable or do not agree on the potential impact of this missense change (SIFT: "Deleterious"; PolyPhen-2: "Not Available"; Align-GVGD: "Class C0"). In summary, the available evidence is currently insufficient to determine the role of this variant in disease. Therefore, it has been classified as a Variant of Uncertain Significance.